The following is an entry in ClinVar:

ClinVar aggregate classification (germline): Uncertain significance (1 of 4 stars; one submission).

Conditions:
Fibrous dysplasia of jaw (CRBM). Also called: Cherubism. Identifiers: Orphanet 184, MedGen C0008029, MONDO:0007315, OMIM 118400.

Allele frequency attached by ClinVar (database versions not stated): gnomAD exomes below 0.00001.
gnomAD v4.1: 1 of 1,612,964 alleles (0.000062%); highest among the groups gnomAD compares: Admixed American, 0.0017%; no homozygotes.

Submission:

Labcorp Genetics (formerly Invitae), Labcorp
Classification: Uncertain significance for Fibrous dysplasia of jaw. Last evaluated: 2023-07-10. Review status: criteria provided, single submitter. Criteria: Invitae Variant Classification Sherloc (09022015). Collection method: clinical testing. Allele origin: germline.
Comment: In summary, the available evidence is currently insufficient to determine the role of this variant in disease. Therefore, it has been classified as a Variant of Uncertain Significance. Advanced modeling of protein sequence and biophysical properties (such as structural, functional, and spatial information, amino acid conservation, physicochemical variation, residue mobility, and thermodynamic stability) performed at Invitae indicates that this missense variant is not expected to disrupt SH3BP2 protein function. ClinVar contains an entry for this variant (Variation ID: 571029). This variant has not been reported in the literature in individuals affected with SH3BP2-related conditions. This variant is present in population databases (no rsID available, gnomAD 0.003%). This sequence change replaces glutamic acid, which is acidic and polar, with lysine, which is basic and polar, at codon 252 of the SH3BP2 protein (p.Glu252Lys).

NM_001122681.2(SH3BP2):c.754G>A (p.Glu252Lys)

Gene: SH3BP2 (SH3 domain binding protein 2; plus strand). Cytogenetic location: 4p16.3.
Variant type: single nucleotide variant.
Coding change: c.754G>A on transcript NM_001122681.2 (MANE Select); coding-DNA position 754, G replaced by A.
Protein change: p.Glu252Lys; replaces glutamic acid 252 with lysine.
Molecular consequence: missense variant.
Genome position (GRCh38, 1-based): chr4:2,829,660, G>A. VCF-style: chr4-2829660-G-A. GRCh37 (hg19) VCF-style: chr4-2831387-G-A.
Other names: c.838G>A, p.Glu280Lys (LRG_1334t2, NM_001145855.2); c.754G>A, p.Glu252Lys (LRG_1334t1, NM_003023.4); c.925G>A, p.Glu309Lys (NM_001145856.2); short protein forms E252K, E280K, E309K.
Identifiers: ClinVar variation 571029 (VCV000571029.8), dbSNP rs1308552287, ClinGen allele CA356056055.